The following is an entry in ClinVar:

ClinVar aggregate classification (germline): Pathogenic. Review status: criteria provided, single submitter (1 of 4 stars). 2 submissions from 2 submitters: Pathogenic (1). 1 of the submissions does not count toward it. Last evaluated 2024-10-15.

Conditions:
Persistent Mullerian duct syndrome (PMDS). Also called: FEMALE GENITAL DUCTS IN OTHERWISE NORMAL MALE; HERNIA UTERI INGUINALE; PERSISTENT OVIDUCT SYNDROME; PSEUDOHERMAPHRODITISM, MALE INTERNAL; PERSISTENT MULLERIAN DUCT SYNDROME, TYPES I AND II. Identifiers: Orphanet 2856, MedGen C1849930, MONDO:0009857, OMIM 261550.
Persistent mullerian duct syndrome, type I. Identifiers: MedGen C3897939.

Allele frequency attached by ClinVar (database versions not stated): TOPMed 0.00002; 1000 Genomes Project 30x 0.00016.
gnomAD v4.1: 9 of 1,539,450 alleles (0.00058%); highest among the groups gnomAD compares: African/African-American, 0.0027%; no homozygotes.

Submissions (2):

Women's Health and Genetics/Laboratory Corporation of America, LabCorp
Classification: Pathogenic for Persistent Mullerian duct syndrome. Last evaluated: 2024-10-15. Review status: criteria provided, single submitter. Criteria: LabCorp Variant Classification Summary - May 2015. Collection method: clinical testing. Allele origin: germline.
Comment: Variant summary: AMH c.571C>T (p.Arg191X) results in a premature termination codon, predicted to cause a truncation of the encoded protein or absence of the protein due to nonsense mediated decay, which are commonly known mechanisms for disease. The variant allele was found at a frequency of 5.8e-06 in 1539450 control chromosomes. c.571C>T has been reported in the literature in individuals affected with Persistent Mullerian duct syndrome (Imbeaud_1994). These report(s) do not provide unequivocal conclusions about association of the variant with Persistent Mullerian duct syndrome. To our knowledge, no experimental evidence demonstrating an impact on protein function has been reported. The following publication have been ascertained in the context of this evaluation (PMID: 8162013). ClinVar contains an entry for this variant (Variation ID: 8624). Based on the evidence outlined above, the variant was classified as pathogenic.

OMIM
Classification: Pathogenic for PERSISTENT MULLERIAN DUCT SYNDROME, TYPE I. Last evaluated: 1992-12-01. Review status: no assertion criteria provided. Collection method: literature only. Allele origin: germline. Not counted in ClinVar's aggregate classification.

Literature cited by the submitters: PubMed 8162013 (cited by Women's Health and Genetics/Laboratory Corporation of America, LabCorp); PubMed 1483695 (cited by OMIM).

NM_000479.5(AMH):c.571C>T (p.Arg191Ter)

Genes: AMH (anti-Mullerian hormone; plus strand), MIR4321 (microRNA 4321; plus strand), LOC130063038 (ATAC-STARR-seq lymphoblastoid silent region 9776; plus strand). Cytogenetic location: 19p13.3.
Variant type: single nucleotide variant.
Coding change: c.571C>T on transcript NM_000479.5 (MANE Select); coding-DNA position 571, C replaced by T.
Protein change: p.Arg191Ter; replaces arginine 191 with a stop codon.
Molecular consequence: nonsense. On other transcripts: non-coding transcript variant (1).
Genome position (GRCh38, 1-based): chr19:2,250,667, C>T. VCF-style: chr19-2250667-C-T. GRCh37 (hg19) VCF-style: chr19-2250666-C-T.
Other names: short protein forms R191*.
Identifiers: ClinVar variation 8624 (VCV000008624.2), dbSNP rs104894666, ClinGen allele CA119786.